The following is an entry in ClinVar:

ClinVar aggregate classification (germline): Uncertain significance. Review status: criteria provided, multiple submitters, no conflicts (2 of 4 stars). 2 submissions from 2 submitters: Uncertain significance (2). Last evaluated 2022-10-24.

Allele frequency attached by ClinVar (database versions not stated): gnomAD 0.00001; ExAC 0.00002; TOPMed 0.00002; gnomAD exomes 0.00004.
gnomAD v4.1: 51 of 1,613,986 alleles (0.0032%); highest among the groups gnomAD compares: Non-Finnish European, 0.0042%; no homozygotes.

Submissions (2):

Blueprint Genetics
Classification: Uncertain significance. Last evaluated: 2022-10-24. Review status: criteria provided, single submitter. Criteria: ACMG Guidelines, 2015. Collection method: clinical testing. Allele origin: germline.

Labcorp Genetics (formerly Invitae), Labcorp
Classification: Uncertain significance. Last evaluated: 2022-05-15. Review status: criteria provided, single submitter. Criteria: Invitae Variant Classification Sherloc (09022015). Collection method: clinical testing. Allele origin: germline.
Comment: This sequence change replaces arginine, which is basic and polar, with histidine, which is basic and polar, at codon 190 of the DENND5A protein (p.Arg190His). This variant is present in population databases (rs759102529, gnomAD 0.004%). This variant has not been reported in the literature in individuals affected with DENND5A-related conditions. Algorithms developed to predict the effect of missense changes on protein structure and function are either unavailable or do not agree on the potential impact of this missense change (SIFT: "Deleterious"; PolyPhen-2: "Benign"; Align-GVGD: "Class C0"). In summary, the available evidence is currently insufficient to determine the role of this variant in disease. Therefore, it has been classified as a Variant of Uncertain Significance.

NM_015213.4(DENND5A):c.569G>A (p.Arg190His)

Gene: DENND5A (DENN domain containing 5A; minus strand). Cytogenetic location: 11p15.4.
Variant type: single nucleotide variant.
Coding change: c.569G>A on transcript NM_015213.4 (MANE Select); coding-DNA position 569, G replaced by A.
Protein change: p.Arg190His; replaces arginine 190 with histidine.
Molecular consequence: missense variant. On other transcripts: non-coding transcript variant (1).
Genome position (GRCh38, 1-based): chr11:9,204,040, C>T on the plus strand (G>A on the coding strand, the complement: DENND5A is on the minus strand). VCF-style: chr11-9204040-C-T. GRCh37 (hg19) VCF-style: chr11-9225587-C-T.
Other names: c.569G>A, p.Arg190His (NM_001243254.2, NM_001348748.1); c.497G>A, p.Arg166His (NM_001348749.2); c.281G>A, p.Arg94His (NM_001348750.2); short protein forms R94H, R166H, R190H.
Identifiers: ClinVar variation 2178883 (VCV002178883.2), dbSNP rs759102529, ClinGen allele CA5877794.